The following is an entry in ClinVar:

ClinVar aggregate classification (germline): Uncertain significance (1 of 4 stars; one submission).

Submission:

Labcorp Genetics (formerly Invitae), Labcorp
Classification: Uncertain significance. Last evaluated: 2024-06-23. Review status: criteria provided, single submitter. Criteria: Invitae Variant Classification Sherloc (09022015). Collection method: clinical testing. Allele origin: germline.
Comment: This variant, c.7600_7601insAGG, results in the insertion of 1 amino acid(s) of the SRCAP protein (p.Ser2533_Val2534insGlu), but otherwise preserves the integrity of the reading frame. This variant is present in population databases (rs749555838, gnomAD 0.005%). This variant has not been reported in the literature in individuals affected with SRCAP-related conditions. Experimental studies and prediction algorithms are not available or were not evaluated, and the functional significance of this variant is currently unknown. In summary, the available evidence is currently insufficient to determine the role of this variant in disease. Therefore, it has been classified as a Variant of Uncertain Significance.

NM_006662.3(SRCAP):c.7600_7601insAGG (p.Ser2533_Val2534insGlu)

Gene: SRCAP (Snf2 related CREBBP activator protein; plus strand). Cytogenetic location: 16p11.2.
Variant type: Insertion.
Coding change: c.7600_7601insAGG on transcript NM_006662.3 (MANE Select); coding-DNA positions 7600 to 7601, AGG inserted.
Protein change: p.Ser2533_Val2534insGlu.
Molecular consequence: inframe insertion.
Genome position: GRCh38 VCF-style: chr16-30737639-T-TGAG. GRCh37 (hg19) VCF-style: chr16-30748960-T-TGAG.
Identifiers: ClinVar variation 3627859 (VCV003627859.2).